The following is an entry in ClinVar:

NM_031935.3(HMCN1):c.14371A>G (p.Asn4791Asp)

Gene: HMCN1 (hemicentin 1; plus strand). Cytogenetic location: 1q31.1.
Variant type: single nucleotide variant.
Coding change: c.14371A>G on transcript NM_031935.3 (MANE Select); coding-DNA position 14371, A replaced by G.
Protein change: p.Asn4791Asp; replaces asparagine 4791 with aspartic acid.
Molecular consequence: missense variant.
Genome position (GRCh38, 1-based): chr1:186,145,507, A>G. VCF-style: chr1-186145507-A-G. GRCh37 (hg19) VCF-style: chr1-186114639-A-G.
Other names: c.14371A>G (NM_031935.2); short protein forms N4791D.
Identifiers: ClinVar variation 2414141 (VCV002414141.7), dbSNP rs768196229, ClinGen allele CA1294933.

ClinVar aggregate classification (germline): Uncertain significance. Review status: criteria provided, multiple submitters, no conflicts (2 of 4 stars). 2 submissions from 2 submitters: Uncertain significance (2). Last evaluated 2025-12-18.

Allele frequency attached by ClinVar (database versions not stated): TOPMed 0.00005; ExAC 0.00006.
gnomAD v4.1: 18 of 1,613,990 alleles (0.0011%); highest among the groups gnomAD compares: Admixed American, 0.03%; no homozygotes.

Submissions (2):

Labcorp Genetics (formerly Invitae), Labcorp
Classification: Uncertain significance. Last evaluated: 2025-12-18. Review status: criteria provided, single submitter. Criteria: Invitae Variant Classification Sherloc (09022015). Collection method: clinical testing. Allele origin: germline.
Comment: This sequence change replaces asparagine, which is neutral and polar, with aspartic acid, which is acidic and polar, at codon 4791 of the HMCN1 protein (p.Asn4791Asp). This variant is present in population databases (rs768196229, gnomAD 0.05%). This variant has not been reported in the literature in individuals affected with HMCN1-related conditions. ClinVar contains an entry for this variant (Variation ID: 2414141). An algorithm developed to predict the effect of missense changes on protein structure and function (PolyPhen-2) suggests that this variant is likely to be tolerated. In summary, the available evidence is currently insufficient to determine the role of this variant in disease. Therefore, it has been classified as a Variant of Uncertain Significance.

Ambry Genetics
Classification: Uncertain significance. Last evaluated: 2025-09-11. Review status: criteria provided, single submitter. Criteria: Ambry Variant Classification Scheme 2023. Collection method: clinical testing. Allele origin: germline.